The following is an entry in ClinVar:

ClinVar aggregate classification (germline): Uncertain significance (1 of 4 stars; one submission).

Submission:

Labcorp Genetics (formerly Invitae), Labcorp
Classification: Uncertain significance. Last evaluated: 2025-06-12. Review status: criteria provided, single submitter. Criteria: Invitae Variant Classification Sherloc (09022015). Collection method: clinical testing. Allele origin: germline.
Comment: This sequence change replaces asparagine, which is neutral and polar, with aspartic acid, which is acidic and polar, at codon 1221 of the LRP5 protein (p.Asn1221Asp). This variant is not present in population databases (gnomAD no frequency). This variant has not been reported in the literature in individuals affected with LRP5-related conditions. ClinVar contains an entry for this variant (Variation ID: 2771626). Invitae Evidence Modeling of protein sequence and biophysical properties (such as structural, functional, and spatial information, amino acid conservation, physicochemical variation, residue mobility, and thermodynamic stability) has been performed for this missense variant. However, the output from this modeling did not meet the statistical confidence thresholds required to predict the impact of this variant on LRP5 protein function. In summary, the available evidence is currently insufficient to determine the role of this variant in disease. Therefore, it has been classified as a Variant of Uncertain Significance.

NM_002335.4(LRP5):c.3661A>G (p.Asn1221Asp)

Gene: LRP5 (LDL receptor related protein 5; plus strand). Cytogenetic location: 11q13.2.
Variant type: single nucleotide variant.
Coding change: c.3661A>G on transcript NM_002335.4 (MANE Select); coding-DNA position 3661, A replaced by G.
Protein change: p.Asn1221Asp; replaces asparagine 1221 with aspartic acid.
Molecular consequence: missense variant.
Genome position (GRCh38, 1-based): chr11:68,429,598, A>G. VCF-style: chr11-68429598-A-G. GRCh37 (hg19) VCF-style: chr11-68197066-A-G.
Other names: c.1918A>G, p.Asn640Asp (NM_001291902.2); short protein forms N640D, N1221D.
Identifiers: ClinVar variation 2771626 (VCV002771626.3), dbSNP rs2496852952, ClinGen allele CA381613214.